The following is an entry in ClinVar:

ClinVar aggregate classification (germline): Uncertain significance (1 of 4 stars; one submission).

Conditions:
POLD1-related polyposis and colorectal cancer syndrome (CRCS10). Also called: Colorectal cancer 10; COLORECTAL CANCER, SUSCEPTIBILITY TO, ON CHROMOSOME 19q; Colorectal cancer, susceptibility to, 10. Identifiers: Orphanet 220460, MedGen C2675481, MONDO:0012953, OMIM 612591.

Submission:

Labcorp Genetics (formerly Invitae), Labcorp
Classification: Uncertain significance for POLD1-related polyposis and colorectal cancer syndrome. Last evaluated: 2024-11-04. Review status: criteria provided, single submitter. Criteria: Invitae Variant Classification Sherloc (09022015). Collection method: clinical testing. Allele origin: germline.
Comment: This sequence change replaces glycine, which is neutral and non-polar, with cysteine, which is neutral and slightly polar, at codon 237 of the POLD1 protein (p.Gly237Cys). This variant is not present in population databases (gnomAD no frequency). This variant has not been reported in the literature in individuals affected with POLD1-related conditions. Invitae Evidence Modeling of protein sequence and biophysical properties (such as structural, functional, and spatial information, amino acid conservation, physicochemical variation, residue mobility, and thermodynamic stability) indicates that this missense variant is not expected to disrupt POLD1 protein function with a negative predictive value of 80%. In summary, the available evidence is currently insufficient to determine the role of this variant in disease. Therefore, it has been classified as a Variant of Uncertain Significance.

NM_002691.4(POLD1):c.709G>T (p.Gly237Cys)

Gene: POLD1 (DNA polymerase delta 1, catalytic subunit; plus strand). Cytogenetic location: 19q13.33.
Variant type: single nucleotide variant.
Coding change: c.709G>T on transcript NM_002691.4 (MANE Select); coding-DNA position 709, G replaced by T.
Protein change: p.Gly237Cys; replaces glycine 237 with cysteine.
Molecular consequence: missense variant. On other transcripts: non-coding transcript variant (1).
Genome position (GRCh38, 1-based): chr19:50,402,324, G>T. VCF-style: chr19-50402324-G-T. GRCh37 (hg19) VCF-style: chr19-50905581-G-T.
Other names: c.709G>T, p.Gly237Cys (NM_001256849.1, NM_001308632.1); short protein forms G237C.
Identifiers: ClinVar variation 3710135 (VCV003710135.2).